The following is an entry in ClinVar:

ClinVar aggregate classification (germline): Uncertain significance (1 of 4 stars; one submission).

Submission:

CeGaT Center for Human Genetics Tuebingen
Classification: Uncertain significance. Last evaluated: 2023-06-01. Review status: criteria provided, single submitter. Criteria: CeGaT Center For Human Genetics Tuebingen Variant Classification Criteria Version 2. Collection method: clinical testing. Allele origin: germline. Affected: yes. Observed: 1 variant allele.
Comment: CLCN4: PM2, BP4

NM_001830.4(CLCN4):c.433-7T>G

Gene: CLCN4 (Cl-/H+ antiporter 4; plus strand). Cytogenetic location: Xp22.2.
Variant type: single nucleotide variant.
Coding change: c.433-7T>G on transcript NM_001830.4 (MANE Select); 7 bases into the intron before coding-DNA position 433, T replaced by G.
Molecular consequence: intron variant.
Genome position (GRCh38, 1-based): chrX:10,197,932, T>G. VCF-style: chrX-10197932-T-G. GRCh37 (hg19) VCF-style: chrX-10165972-T-G.
Other names: c.151-7T>G (NM_001256944.2).
Identifiers: ClinVar variation 2659971 (VCV002659971.24), dbSNP rs2518879644, ClinGen allele CA2695200152.